The following is an entry in ClinVar:

ClinVar aggregate classification (germline): Pathogenic. Review status: criteria provided, single submitter (1 of 4 stars). 3 submissions from 3 submitters: Pathogenic (1). 2 of the submissions do not count toward it. Last evaluated 2021-11-06.

Conditions:
Charcot-Marie-Tooth disease. Also called: Charcot-Marie-Tooth Hereditary Neuropathy; Charcot-Marie-Tooth Neuropathy. Identifiers: Orphanet 166, MedGen C0007959, MONDO:0015626.
Charcot-Marie-Tooth Neuropathy X. Identifiers: MedGen CN118851.
Charcot-Marie-Tooth disease X-linked dominant 1. Also called: Charcot-Marie-Tooth Neuropathy X Type 1; X-linked Charcot-Marie-Tooth disease type 1; GJB1 Disorders: Charcot-Marie-Tooth Neuropathy (CMT1X) and Central Nervous System Phenotypes; CHARCOT-MARIE-TOOTH NEUROPATHY, X-LINKED, 1; CHARCOT-MARIE-TOOTH PERONEAL MUSCULAR ATROPHY, X-LINKED; HEREDITARY MOTOR AND SENSORY NEUROPATHY, X-LINKED. Identifiers: Orphanet 101075, MedGen C0393808, MONDO:0010549, OMIM 302800.

Submissions (3):

Labcorp Genetics (formerly Invitae), Labcorp
Classification: Pathogenic for Charcot-Marie-Tooth Neuropathy X. Last evaluated: 2021-11-06. Review status: criteria provided, single submitter. Criteria: Invitae Variant Classification Sherloc (09022015). Collection method: clinical testing. Allele origin: germline.
Comment: This sequence change creates a premature translational stop signal (p.Val152Serfs*44) in the GJB1 gene. While this is not anticipated to result in nonsense mediated decay, it is expected to disrupt the last 132 amino acid(s) of the GJB1 protein. This variant is not present in population databases (gnomAD no frequency). This premature translational stop signal has been observed in individual(s) with Charcot-Marie-Tooth (CMT) disease (PMID: 21291455). ClinVar contains an entry for this variant (Variation ID: 637620). For these reasons, this variant has been classified as Pathogenic. This variant disrupts a region of the GJB1 protein in which other variant(s) (p.Arg220*) have been determined to be pathogenic (PMID: 7477983, 8162049, 9364054, 21291455). This suggests that this is a clinically significant region of the protein, and that variants that disrupt it are likely to be disease-causing.

Inherited Neuropathy Consortium Ii, University Of Miami
Classification: Uncertain significance for Charcot-Marie-Tooth disease X-linked dominant 1. Last evaluated: 2016-01-06. Review status: no assertion criteria provided. Collection method: literature only. Allele origin: germline. Affected: yes. Not counted in ClinVar's aggregate classification.

Inherited Neuropathy Consortium
Classification: Uncertain significance for Charcot-Marie-Tooth disease. Review status: no assertion criteria provided. Collection method: literature only. Allele origin: germline. Affected: yes. Not counted in ClinVar's aggregate classification.

Literature cited by the submitters: PubMed 21291455 (cited by 3 submitters); PubMed 7477983 (cited by Labcorp Genetics (formerly Invitae), Labcorp); PubMed 8162049 (cited by Labcorp Genetics (formerly Invitae), Labcorp); PubMed 9364054 (cited by Labcorp Genetics (formerly Invitae), Labcorp).

NM_000166.6(GJB1):c.454del (p.Val152fs)

Gene: GJB1 (gap junction protein beta 1; plus strand). Cytogenetic location: Xq13.1.
Variant type: Deletion.
Coding change: c.454del on transcript NM_000166.6 (MANE Select); coding-DNA position 454, one base deleted (G; older notation c.454delG).
Protein change: p.Val152fs; shifts the reading frame from valine 152.
Molecular consequence: frameshift variant.
Genome position (GRCh38, 1-based): chrX:71,224,161, G deleted. VCF-style (leftmost placement, unchanged base first): chrX-71224160-TG-T. GRCh37 (hg19) VCF-style: chrX-70444010-TG-T.
Other names: c.454del, p.Val152fs (NM_001097642.3); short protein forms V152fs.
Identifiers: ClinVar variation 637620 (VCV000637620.7), dbSNP rs1602349383, ClinGen allele CA915951203.
Genomic context (GRCh38, chrX:71,224,160, plus strand): 5'-GTGGTGGACCTATGTCATCAGCGTGGTGTTCCGGCTGTTGTTTGAGGCCGTCTTCATGTA[TG>T]TCTTTTATCTGCTCTACCCTGGCTATGCCATGGTGCGGCTGGTCAAGTGCGACGTCTACC-3'